The following is an entry in ClinVar:

ClinVar aggregate classification (germline): Uncertain significance (1 of 4 stars; one submission).

Conditions:
Leber congenital amaurosis 12 (LCA12). Identifiers: Orphanet 65, MedGen C1857743, MONDO:0012525, OMIM 610612.

Allele frequency attached by ClinVar (database versions not stated): TOPMed 0.00001.

Submission:

Labcorp Genetics (formerly Invitae), Labcorp
Classification: Uncertain significance for Leber congenital amaurosis 12. Last evaluated: 2024-02-24. Review status: criteria provided, single submitter. Criteria: Invitae Variant Classification Sherloc (09022015). Collection method: clinical testing. Allele origin: germline.
Comment: This sequence change replaces alanine, which is neutral and non-polar, with threonine, which is neutral and polar, at codon 50 of the RD3 protein (p.Ala50Thr). This variant is not present in population databases (gnomAD no frequency). This variant has not been reported in the literature in individuals affected with RD3-related conditions. ClinVar contains an entry for this variant (Variation ID: 1506094). Algorithms developed to predict the effect of missense changes on protein structure and function output the following: SIFT: "Not Available"; PolyPhen-2: "Benign"; Align-GVGD: "Not Available". The threonine amino acid residue is found in multiple mammalian species, which suggests that this missense change does not adversely affect protein function. In summary, the available evidence is currently insufficient to determine the role of this variant in disease. Therefore, it has been classified as a Variant of Uncertain Significance.

NM_001164688.2(RD3):c.148G>A (p.Ala50Thr)

Gene: RD3 (RD3 regulator of GUCY2D; minus strand). Cytogenetic location: 1q32.3.
Variant type: single nucleotide variant.
Coding change: c.148G>A on transcript NM_001164688.2 (MANE Select); coding-DNA position 148, G replaced by A.
Protein change: p.Ala50Thr; replaces alanine 50 with threonine.
Molecular consequence: missense variant.
Genome position (GRCh38, 1-based): chr1:211,481,268, C>T on the plus strand (G>A on the coding strand, the complement: RD3 is on the minus strand). VCF-style: chr1-211481268-C-T. GRCh37 (hg19) VCF-style: chr1-211654610-C-T.
Other names: c.148G>A, p.Ala50Thr (NM_183059.3); short protein forms A50T.
Identifiers: ClinVar variation 1506094 (VCV001506094.8), dbSNP rs745483958, ClinGen allele CA37186512.